The following is an entry in ClinVar:

ClinVar aggregate classification (germline): Likely pathogenic (1 of 4 stars; one submission).

Conditions:
Methylcobalamin deficiency type cblE (HMAE). Also called: HOMOCYSTINURIA-MEGALOBLASTIC ANEMIA, cblE TYPE; HOMOCYSTINURIA-MEGALOBLASTIC ANEMIA, cblE COMPLEMENTATION TYPE; VITAMIN B12-RESPONSIVE HOMOCYSTINURIA, cblE TYPE. Identifiers: Orphanet 2169, Orphanet 622, MedGen C1856057, MONDO:0009354, OMIM 236270.

Submission:

Natera, Inc.
Classification: Likely pathogenic for CblE complementation type homocystinuria-megaloblastic anemia due to defect in cobalamin metabolism. Last evaluated: 2025-08-12. Review status: criteria provided, single submitter. Criteria: Natera Variant Classification Schema (03/2026). Collection method: clinical testing. Allele origin: germline.
Comment: The c.1057+1G>T variant in MTRR is a canonical splice donor site variant predicted to affect pre-mRNA splicing, which may result in an abnormal transcript and altered protein product. This variant is expected to result in nonsense mediated decay, truncation, or a dysfunctional protein product. This variant is rare in the general population with a frequency below the threshold expected for the associated phenotype(s). Given the available evidence, this variant is classified as Likely Pathogenic.

NM_002454.3(MTRR):c.1057+1G>T

Gene: MTRR (5-methyltetrahydrofolate-homocysteine methyltransferase reductase; plus strand). Cytogenetic location: 5p15.31.
Variant type: single nucleotide variant.
Coding change: c.1057+1G>T on transcript NM_002454.3 (MANE Select); the canonical splice donor site of the intron after coding-DNA position 1057, G replaced by T.
Molecular consequence: splice donor variant.
Genome position (GRCh38, 1-based): chr5:7,885,855, G>T. VCF-style: chr5-7885855-G-T. GRCh37 (hg19) VCF-style: chr5-7885968-G-T.
Other names: c.1057+1G>T (NM_001364440.2, NM_001364441.2, NM_001364442.2 and 1 more transcripts).
Identifiers: ClinVar variation 4815050 (VCV004815050.1).